The following is an entry in ClinVar:

NM_144997.7(FLCN):c.1420G>A (p.Ala474Thr)

Gene: FLCN (folliculin; minus strand). Cytogenetic location: 17p11.2.
Variant type: single nucleotide variant.
Coding change: c.1420G>A on transcript NM_144997.7 (MANE Select); coding-DNA position 1420, G replaced by A.
Protein change: p.Ala474Thr; replaces alanine 474 with threonine.
Molecular consequence: missense variant.
Genome position (GRCh38, 1-based): chr17:17,215,197, C>T on the plus strand (G>A on the coding strand, the complement: FLCN is on the minus strand). VCF-style: chr17-17215197-C-T. GRCh37 (hg19) VCF-style: chr17-17118511-C-T.
Other names: c.1474G>A, p.Ala492Thr (NM_001353229.2); c.1420G>A, p.Ala474Thr (NM_001353230.2, NM_001353231.2); short protein forms A474T, A492T.
Identifiers: ClinVar variation 1042346 (VCV001042346.8), dbSNP rs2046876810, ClinGen allele CA398531116.
Genomic context (GRCh38, chr17:17,215,197, plus strand): 5'-GCGGGGGCATCTTCTCACAAAAAGGACACTCTGCCTGGGGGCACCCACCTCGGTCTGCAG[C>T]TACAGGGCTCCCACTGGTCACCACAAACTCGTACTTGCTGAGAGACTGGTCATCCTCACA-3'
Protein context (NP_659434.2, residues 464-484): EFVVTSGSPV[Ala474Thr]ADRVGPTILN

ClinVar aggregate classification (germline): Uncertain significance. Review status: criteria provided, multiple submitters, no conflicts (2 of 4 stars). 2 submissions from 2 submitters: Uncertain significance (2). Last evaluated 2026-07-06.

Conditions:
Birt-Hogg-Dube syndrome. Also called: Birt Hogg Dubé syndrome. Identifiers: Orphanet 122, MedGen C0346010, MONDO:0800444.
Hereditary cancer-predisposing syndrome. Also called: Tumor predisposition; Hereditary Cancer Syndrome; Hereditary neoplastic syndrome; Neoplastic Syndromes, Hereditary. Identifiers: Orphanet 140162, MedGen C0027672, MeSH D009386, MONDO:0015356.

Submissions (2):

Ambry Genetics
Classification: Uncertain significance for Hereditary cancer-predisposing syndrome. Last evaluated: 2026-07-06. Review status: criteria provided, single submitter. Criteria: Ambry Variant Classification Scheme 2023. Collection method: clinical testing. Allele origin: germline.
Comment: The p.A474T variant (also known as c.1420G>A), located in coding exon 9 of the FLCN gene, results from a G to A substitution at nucleotide position 1420. The alanine at codon 474 is replaced by threonine, an amino acid with similar properties. This amino acid position is conserved. In addition, this alteration is predicted to be tolerated by in silico analysis. Based on the available evidence, the clinical significance of this variant remains unclear.

Labcorp Genetics (formerly Invitae), Labcorp
Classification: Uncertain significance for Birt-Hogg-Dube syndrome. Last evaluated: 2021-02-17. Review status: criteria provided, single submitter. Criteria: Invitae Variant Classification Sherloc (09022015). Collection method: clinical testing. Allele origin: germline.
Comment: In summary, the available evidence is currently insufficient to determine the role of this variant in disease. Therefore, it has been classified as a Variant of Uncertain Significance. Algorithms developed to predict the effect of missense changes on protein structure and function (SIFT, PolyPhen-2, Align-GVGD) all suggest that this variant is likely to be tolerated, but these predictions have not been confirmed by published functional studies and their clinical significance is uncertain. This variant has not been reported in the literature in individuals with FLCN-related conditions. This variant is not present in population databases (ExAC no frequency). This sequence change replaces alanine with threonine at codon 474 of the FLCN protein (p.Ala474Thr). The alanine residue is moderately conserved and there is a small physicochemical difference between alanine and threonine.